The following is an entry in ClinVar:

ClinVar aggregate classification (germline): Likely benign (0 of 4 stars; one submission).

Conditions:
MYO9B-related disorder. Also called: MYO9B-related condition.

Allele frequency attached by ClinVar (database versions not stated): ESP Exome Variant Server 0.00016; gnomAD 0.00019; 1000 Genomes Project 0.00040; 1000 Genomes Project 30x 0.00047; TOPMed 0.00051; gnomAD exomes 0.00053; ExAC 0.00080.
gnomAD v4.1: 772 of 1,613,378 alleles (0.048%); highest among the groups gnomAD compares: Admixed American, 0.42%; 3 homozygotes.

Submission:

PreventionGenetics, part of Exact Sciences
Classification: Likely benign for MYO9B-related condition. Last evaluated: 2019-04-29. Review status: no assertion criteria provided. Collection method: clinical testing. Allele origin: germline.
Comment: This variant is classified as likely benign based on ACMG/AMP sequence variant interpretation guidelines (Richards et al. 2015 PMID: 25741868, with internal and published modifications).

NM_004145.4(MYO9B):c.243C>T (p.Asn81=)

Gene: MYO9B (myosin IXB; plus strand). Cytogenetic location: 19p13.11.
Variant type: single nucleotide variant.
Coding change: c.243C>T on transcript NM_004145.4 (MANE Select); coding-DNA position 243, C replaced by T.
Protein change: p.Asn81=; no amino-acid change (asparagine 81 retained).
Molecular consequence: synonymous variant.
Genome position (GRCh38, 1-based): chr19:17,101,960, C>T. VCF-style: chr19-17101960-C-T. GRCh37 (hg19) VCF-style: chr19-17212770-C-T.
Other names: c.243C>T, p.Asn81= (NM_001130065.2).
Identifiers: ClinVar variation 3056521 (VCV003056521.2), dbSNP rs201695023, ClinGen allele CA9286925.